The following is an entry in ClinVar:

NM_020297.4(ABCC9):c.3440A>G (p.Tyr1147Cys)

Gene: ABCC9 (ATP binding cassette subfamily C member 9; minus strand). Cytogenetic location: 12p12.1.
Variant type: single nucleotide variant.
Coding change: c.3440A>G on transcript NM_020297.4 (MANE Select); coding-DNA position 3440, A replaced by G.
Protein change: p.Tyr1147Cys; replaces tyrosine 1147 with cysteine.
Molecular consequence: missense variant.
Genome position (GRCh38, 1-based): chr12:21,842,347, T>C on the plus strand (A>G on the coding strand, the complement: ABCC9 is on the minus strand). VCF-style: chr12-21842347-T-C. GRCh37 (hg19) VCF-style: chr12-21995281-T-C.
Other names: c.3440A>G, p.Tyr1147Cys (NM_001377273.1, NM_005691.4); c.2573A>G, p.Tyr858Cys (NM_001377274.1); short protein forms Y1147C, Y858C.
Identifiers: ClinVar variation 410817 (VCV000410817.8), dbSNP rs1060503052, ClinGen allele CA16613770.

ClinVar aggregate classification (germline): Uncertain significance (1 of 4 stars; one submission).

Conditions:
Dilated cardiomyopathy 1O (CMD1O). Also called: CARDIOMYOPATHY, DILATED, WITH VENTRICULAR TACHYCARDIA. Identifiers: Orphanet 154, MedGen C1837839, MONDO:0012062, OMIM 608569.

Submission:

Labcorp Genetics (formerly Invitae), Labcorp
Classification: Uncertain significance for Dilated cardiomyopathy 1O. Last evaluated: 2016-09-27. Review status: criteria provided, single submitter. Criteria: Invitae Variant Classification Sherloc (09022015). Collection method: clinical testing. Allele origin: germline.
Comment: In summary, this variant is a novel missense change with uncertain impact on protein function. It has been classified as a Variant of Uncertain Significance. Algorithms developed to predict the effect of missense changes on protein structure and function do not agree on the potential impact of this missense change (SIFT: "Deleterious"; PolyPhen-2: "Probably Damaging"; Align-GVGD: "Class C0"). This variant is not present in population databases (ExAC no frequency) and has not been reported in the literature in individuals with a ABCC9-related disease. This sequence change replaces tyrosine with cysteine at codon 1147 of the ABCC9 protein (p.Tyr1147Cys). The tyrosine residue is moderately conserved and there is a large physicochemical difference between tyrosine and cysteine.